The following is an entry in ClinVar:

NM_003072.5(SMARCA4):c.4875C>G (p.Val1625=)

Gene: SMARCA4 (SWI/SNF related BAF chromatin remodeling complex subunit ATPase 4; plus strand). Cytogenetic location: 19p13.2.
Variant type: single nucleotide variant.
Coding change: c.4875C>G on transcript NM_003072.5 (MANE Select); coding-DNA position 4875, C replaced by G.
Protein change: p.Val1625=; no amino-acid change (valine 1625 retained).
Molecular consequence: synonymous variant. On other transcripts: non-coding transcript variant (1).
Genome position (GRCh38, 1-based): chr19:11,060,151, C>G. VCF-style: chr19-11060151-C-G. GRCh37 (hg19) VCF-style: chr19-11170827-C-G.
Other names: c.4875C>G, p.Val1625= (NM_001128844.3); c.4782C>G, p.Val1594= (NM_001128846.2); c.4971C>G, p.Val1657= (NM_001387283.1, NM_001128849.3); c.4785C>G, p.Val1595= (NM_001128845.2); c.4773C>G, p.Val1591= (NM_001128848.2); c.4776C>G, p.Val1592= (NM_001128847.4, NM_001374457.1); c.4872C>G, p.Val1624= (NM_001411150.1); c.4971C>G (NM_001128849.1).
Identifiers: ClinVar variation 2815523 (VCV002815523.4), dbSNP rs146427223, ClinGen allele CA505495504.

ClinVar aggregate classification (germline): Uncertain significance. Review status: criteria provided, multiple submitters, no conflicts (2 of 4 stars). 2 submissions from 2 submitters: Uncertain significance (2). Last evaluated 2025-10-31.

Conditions:
Hereditary cancer-predisposing syndrome. Also called: Neoplastic Syndromes, Hereditary; Tumor predisposition; Hereditary Cancer Syndrome; Hereditary neoplastic syndrome. Identifiers: Orphanet 140162, MedGen C0027672, MeSH D009386, MONDO:0015356.
Rhabdoid tumor predisposition syndrome 2 (RTPS2). Identifiers: Orphanet 231108, Orphanet 69077, MedGen C2750074, MONDO:0013224, OMIM 613325.

Submissions (2):

Ambry Genetics
Classification: Uncertain significance for Hereditary cancer-predisposing syndrome. Last evaluated: 2025-10-31. Review status: criteria provided, single submitter. Criteria: Ambry Variant Classification Scheme 2023. Collection method: clinical testing. Allele origin: germline.
Comment: The c.4971C>G variant (also known as p.V1657V), located in coding exon 34 of the SMARCA4 gene, results from a C to G substitution at nucleotide position 4971. This nucleotide substitution does not change the amino acid at codon 1657. This nucleotide position is poorly conserved in available vertebrate species. In silico splice site analysis predicts that this alteration will result in the creation or strengthening of a novel splice donor site. Based on the available evidence, the clinical significance of this variant remains unclear.

Labcorp Genetics (formerly Invitae), Labcorp
Classification: Uncertain significance for Rhabdoid tumor predisposition syndrome 2. Last evaluated: 2022-11-20. Review status: criteria provided, single submitter. Criteria: Invitae Variant Classification Sherloc (09022015). Collection method: clinical testing. Allele origin: germline.
Comment: This sequence change affects codon 1657 of the SMARCA4 mRNA. It is a 'silent' change, meaning that it does not change the encoded amino acid sequence of the SMARCA4 protein. In summary, the available evidence is currently insufficient to determine the role of this variant in disease. Therefore, it has been classified as a Variant of Uncertain Significance. Algorithms developed to predict the effect of sequence changes on RNA splicing suggest that this variant may create or strengthen a splice site. This variant has not been reported in the literature in individuals affected with SMARCA4-related conditions. This variant is not present in population databases (gnomAD no frequency).